The following is an entry in ClinVar:

NM_000322.5(PRPH2):c.*1524G>C

Gene: PRPH2 (peripherin 2; minus strand). Cytogenetic location: 6p21.1.
Variant type: single nucleotide variant.
Coding change: c.*1524G>C on transcript NM_000322.5 (MANE Select); 1524 bases downstream of the stop codon, G replaced by C.
Molecular consequence: 3 prime UTR variant.
Genome position (GRCh38, 1-based): chr6:42,696,771, C>G on the plus strand (G>C on the coding strand, the complement: PRPH2 is on the minus strand). VCF-style: chr6-42696771-C-G. GRCh37 (hg19) VCF-style: chr6-42664509-C-G.
Identifiers: ClinVar variation 356747 (VCV000356747.5), dbSNP rs183409467, ClinGen allele CA10626857.
Genomic context (GRCh38, chr6:42,696,771, plus strand): 5'-AAGAGCTCAGGGACCTTTGCCAAAGATGGCTGGCTCAGCATTTTTTCAGTATGGATCATT[C>G]CTTGGCCTCAACGAGATTCAGAAATCTAATTAAACTTGGGACCAACGTCTGACAGGGTGT-3'

ClinVar aggregate classification (germline): Benign/Likely benign. Review status: criteria provided, single submitter (1 of 4 stars). 6 submissions from 1 submitter: Benign (4); Likely benign (2). Last evaluated 2018-01-13.

Conditions:
Choroidal dystrophy, central areolar 2 (CACD2). Also called: MACULAR DYSTROPHY, PROGRESSIVE; Choriodal Dystrophy, Central Areolar 2. Identifiers: Orphanet 75377, MedGen C2751290, MONDO:0013137, OMIM 613105.
Pigmentary retinal dystrophy. Also called: Fundus albipunctatus. Identifiers: Orphanet 227796, Orphanet 52427, MedGen C0311338, MONDO:0007639, OMIM 136880, HP:0030642.
Cone-rod dystrophy. Also called: Cone/cone-rod dystrophy; Cone-rod degeneration. Identifiers: Orphanet 1872, MedGen C4085590, MONDO:0015993, HP:0000548.
Retinitis pigmentosa (RP). Identifiers: Orphanet 791, MedGen C0035334, MeSH D012174, MONDO:0019200, OMIM 268000. Inheritance: Autosomal dominant, autosomal recessive and X linked inheritance.
Patterned macular dystrophy 1. Also called: BUTTERFLY DYSTROPHY OF RETINAL PIGMENT EPITHELIUM; MACULAR DYSTROPHY, BUTTERFLY-SHAPED PIGMENTARY. Identifiers: Orphanet 99001, MedGen C4551999, MONDO:0008210, OMIM 169150.
Adult-onset foveomacular vitelliform dystrophy. Also called: FOVEOMACULAR DYSTROPHY, ADULT-ONSET; FOVEOMACULAR DYSTROPHY, ADULT-ONSET, WITH OR WITHOUT CHOROIDAL NEOVASCULARIZATION; Adult onset vitelliform dystrophy. Identifiers: Orphanet 99000, MedGen C1842914, MONDO:0011979.

Allele frequency attached by ClinVar (database versions not stated): gnomAD 0.00236 and 0.00247; TOPMed 0.00256; 1000 Genomes Project 30x 0.00265; 1000 Genomes Project 0.00339.

Submissions (6):

Illumina Laboratory Services, Illumina
Classification: Likely benign for Pigmentary retinal dystrophy. Last evaluated: 2018-01-13. Review status: criteria provided, single submitter. Criteria: ICSL Variant Classification Criteria 13 December 2019. Collection method: clinical testing. Allele origin: germline.
Comment: This variant was observed in the ICSL laboratory as part of a predisposition screen in an ostensibly healthy population. It had not been previously curated by ICSL or reported in the Human Gene Mutation Database (HGMD: prior to June 1st, 2018), and was therefore a candidate for classification through an automated scoring system. Utilizing variant allele frequency, disease prevalence and penetrance estimates, and inheritance mode, an automated score was calculated to assess if this variant is too frequent to cause the disease. Based on the score and internal cut-off values, a variant classified as likely benign is not then subjected to further curation. The score for this variant resulted in a classification of likely benign for this disease.

Illumina Laboratory Services, Illumina
Classification: Benign for Cone-rod dystrophy. Last evaluated: 2018-01-13. Review status: criteria provided, single submitter. Criteria: ICSL Variant Classification Criteria 13 December 2019. Collection method: clinical testing. Allele origin: germline.
Comment: This variant was observed in the ICSL laboratory as part of a predisposition screen in an ostensibly healthy population. It had not been previously curated by ICSL or reported in the Human Gene Mutation Database (HGMD: prior to June 1st, 2018), and was therefore a candidate for classification through an automated scoring system. Utilizing variant allele frequency, disease prevalence and penetrance estimates, and inheritance mode, an automated score was calculated to assess if this variant is too frequent to cause the disease. Based on the score and internal cut-off values, a variant classified as benign is not then subjected to further curation. The score for this variant resulted in a classification of benign for this disease.

Illumina Laboratory Services, Illumina
Classification: Benign for Choroidal dystrophy, central areolar 2. Last evaluated: 2018-01-13. Review status: criteria provided, single submitter. Criteria: ICSL Variant Classification Criteria 13 December 2019. Collection method: clinical testing. Allele origin: germline.
Comment: the same text as in the submission from Illumina Laboratory Services, Illumina above.

Illumina Laboratory Services, Illumina
Classification: Likely benign for Patterned macular dystrophy 1. Last evaluated: 2018-01-13. Review status: criteria provided, single submitter. Criteria: ICSL Variant Classification Criteria 13 December 2019. Collection method: clinical testing. Allele origin: germline.
Comment: the same text as in the submission from Illumina Laboratory Services, Illumina above.

Illumina Laboratory Services, Illumina
Classification: Benign for Retinitis pigmentosa. Last evaluated: 2018-01-13. Review status: criteria provided, single submitter. Criteria: ICSL Variant Classification Criteria 13 December 2019. Collection method: clinical testing. Allele origin: germline.
Comment: the same text as in the submission from Illumina Laboratory Services, Illumina above.

Illumina Laboratory Services, Illumina
Classification: Benign for Vitelliform macular dystrophy 3. Last evaluated: 2018-01-13. Review status: criteria provided, single submitter. Criteria: ICSL Variant Classification Criteria 13 December 2019. Collection method: clinical testing. Allele origin: germline.
Comment: the same text as in the submission from Illumina Laboratory Services, Illumina above.